The following is an entry in ClinVar:

ClinVar aggregate classification (germline): Pathogenic/Likely pathogenic. Review status: criteria provided, multiple submitters, no conflicts (2 of 4 stars). 5 submissions from 5 submitters: Pathogenic (3); Likely pathogenic (2). Last evaluated 2026-01-06.

Conditions:
Nephronophthisis 13 (NPHP13). Identifiers: Orphanet 655, MedGen C3280612, MONDO:0013718, OMIM 614377.
Cranioectodermal dysplasia 4 (CED4). Identifiers: Orphanet 1515, MedGen C3280616, MONDO:0013719, OMIM 614378.
Asphyxiating thoracic dystrophy 5 (SRTD5). Also called: SHORT-RIB THORACIC DYSPLASIA 5 WITH OR WITHOUT POLYDACTYLY; SHORT-RIB THORACIC DYSPLASIA 5 WITHOUT POLYDACTYLY. Identifiers: Orphanet 474, MedGen C3280598, MONDO:0013717, OMIM 614376.
Spermatogenic failure 72 (SPGF72). Identifiers: MedGen C5676980, MONDO:0030809, OMIM 619867.
Senior-Loken syndrome 8 (SLSN8). Identifiers: Orphanet 3156, MedGen C4225376, MONDO:0014579, OMIM 616307.
WDR19-related disorder. Also called: WDR19-related condition; WDR19-related disorders. Identifiers: MedGen CN380161.

Allele frequency attached by ClinVar (database versions not stated): gnomAD 0.00001; gnomAD exomes 0.00001; TOPMed 0.00003.
gnomAD v4.1: 18 of 1,546,824 alleles (0.0012%); highest among the groups gnomAD compares: South Asian, 0.0036%; no homozygotes.

Submissions (5):

Labcorp Genetics (formerly Invitae), Labcorp
Classification: Pathogenic for Senior-Loken syndrome 8; Asphyxiating thoracic dystrophy 5. Last evaluated: 2026-01-06. Review status: criteria provided, single submitter. Criteria: Invitae Variant Classification Sherloc (09022015). Collection method: clinical testing. Allele origin: germline.
Comment: This sequence change affects a donor splice site in intron 20 of the WDR19 gene. It is expected to disrupt RNA splicing. Variants that disrupt the donor or acceptor splice site typically lead to a loss of protein function (PMID: 16199547), and loss-of-function variants in WDR19 are known to be pathogenic (PMID: 22019273, 23559409, 23683095, 26275793, 27241786, 29068549). The frequency data for this variant in the population databases is considered unreliable, as metrics indicate poor data quality at this position in the gnomAD database. Disruption of this splice site has been observed in individuals with WDR19-related conditions (PMID: 38062428; internal data). ClinVar contains an entry for this variant (Variation ID: 280765). Algorithms developed to predict the effect of sequence changes on RNA splicing suggest that this variant may disrupt the consensus splice site. For these reasons, this variant has been classified as Pathogenic.

SingHealth Duke-NUS Institute of Precision Medicine
Classification: Likely pathogenic for Senior-Loken syndrome 8. Last evaluated: 2025-02-05. Review status: criteria provided, single submitter. Criteria: PRISM ACMG Classification Criteria. Collection method: clinical testing. Allele origin: germline. Affected: yes.
Comment: Variant is predicted to cause nonsense-mediated decay in a gene where LOF is a known cause of pathogenicity (PVS1). Homozygous allele count in gnomAD genomes or exomes are less than 0 (PM2).

Fulgent Genetics
Classification: Pathogenic for Asphyxiating thoracic dystrophy 5; Nephronophthisis 13; Cranioectodermal dysplasia 4; Senior-Loken syndrome 8; Spermatogenic failure 72. Last evaluated: 2024-06-19. Review status: criteria provided, single submitter. Criteria: ACMG Guidelines, 2015. Collection method: clinical testing. Allele origin: germline.

GeneDx
Classification: Pathogenic. Last evaluated: 2022-12-20. Review status: criteria provided, single submitter. Criteria: GeneDx Variant Classification Process June 2021. Collection method: clinical testing. Allele origin: germline. Affected: yes.
Comment: Canonical splice site variant predicted to result in a null allele in a gene for which loss of function is a known mechanism of disease; Not observed at significant frequency in large population cohorts (gnomAD); Has not been previously published as pathogenic or benign to our knowledge; This variant is associated with the following publications: (PMID: 31589614)

Blueprint Genetics
Classification: Likely pathogenic for WDR19-related disorders. Last evaluated: 2020-11-10. Review status: criteria provided, single submitter. Criteria: ACMG Guidelines, 2015. Collection method: clinical testing. Allele origin: germline. Affected: yes. Observed: 2 variant alleles.

Literature cited by the submitters: PubMed 16199547 (cited by Labcorp Genetics (formerly Invitae), Labcorp); PubMed 22019273 (cited by Labcorp Genetics (formerly Invitae), Labcorp); PubMed 23559409 (cited by Labcorp Genetics (formerly Invitae), Labcorp); PubMed 23683095 (cited by Labcorp Genetics (formerly Invitae), Labcorp); PubMed 26275793 (cited by Labcorp Genetics (formerly Invitae), Labcorp); PubMed 27241786 (cited by Labcorp Genetics (formerly Invitae), Labcorp); PubMed 29068549 (cited by Labcorp Genetics (formerly Invitae), Labcorp); PubMed 38062428 (cited by Labcorp Genetics (formerly Invitae), Labcorp).

NM_025132.4(WDR19):c.2363+1G>A

Gene: WDR19 (WD repeat domain 19; plus strand). Cytogenetic location: 4p14.
Variant type: single nucleotide variant.
Coding change: c.2363+1G>A on transcript NM_025132.4 (MANE Select); the canonical splice donor site of the intron after coding-DNA position 2363, G replaced by A.
Molecular consequence: splice donor variant.
Genome position (GRCh38, 1-based): chr4:39,234,876, G>A. VCF-style: chr4-39234876-G-A. GRCh37 (hg19) VCF-style: chr4-39236496-G-A.
Other names: c.1883+1G>A (NM_001317924.2).
Identifiers: ClinVar variation 280765 (VCV000280765.16), dbSNP rs886041912, ClinGen allele CA10602914.